The following is an entry in ClinVar:

NM_002878.4(RAD51D):c.346-19C>T

Genes: RAD51D (RAD51 paralog D; minus strand), RAD51L3-RFFL (RAD51L3-RFFL readthrough; minus strand). Cytogenetic location: 17q12.
Variant type: single nucleotide variant.
Coding change: c.346-19C>T on transcript NM_002878.4 (MANE Select); 19 bases into the intron before coding-DNA position 346, C replaced by T.
Molecular consequence: intron variant.
Genome position (GRCh38, 1-based): chr17:35,107,141, G>A on the plus strand (C>T on the coding strand, the complement: RAD51D is on the minus strand). VCF-style: chr17-35107141-G-A. GRCh37 (hg19) VCF-style: chr17-33434160-G-A.
Other names: c.145-660C>T (NM_133629.3); c.406-19C>T (NM_001142571.2).
Identifiers: ClinVar variation 629256 (VCV000629256.12), dbSNP rs1567728479, ClinGen allele CA913188818.

ClinVar aggregate classification (germline): Likely benign. Review status: criteria provided, multiple submitters, no conflicts (2 of 4 stars). 4 submissions from 4 submitters: Likely benign (4). Last evaluated 2025-02-21.

Conditions:
Hereditary cancer-predisposing syndrome. Also called: Tumor predisposition; Neoplastic Syndromes, Hereditary; Hereditary Cancer Syndrome; Hereditary neoplastic syndrome. Identifiers: Orphanet 140162, MedGen C0027672, MeSH D009386, MONDO:0015356.
Breast-ovarian cancer, familial, susceptibility to, 4. Identifiers: Orphanet 145, MedGen C3280345, MONDO:0013669, OMIM 614291.

Submissions (4):

Myriad Genetics, Inc.
Classification: Likely benign for Breast-ovarian cancer, familial, susceptibility to, 4. Last evaluated: 2025-02-21. Review status: criteria provided, single submitter. Criteria: Myriad Autosomal Dominant, Autosomal Recessive and X-Linked Classification Criteria (2023). Collection method: clinical testing. Allele origin: unknown.
Comment: This variant is considered likely benign. This variant is intronic and is not expected to impact mRNA splicing.

Labcorp Genetics (formerly Invitae), Labcorp
Classification: Likely benign for Breast-ovarian cancer, familial, susceptibility to, 4. Last evaluated: 2024-09-09. Review status: criteria provided, single submitter. Criteria: Invitae Variant Classification Sherloc (09022015). Collection method: clinical testing. Allele origin: germline.

Blueprint Genetics
Classification: Likely benign. Last evaluated: 2023-05-15. Review status: criteria provided, single submitter. Criteria: ACMG Guidelines, 2015. Collection method: clinical testing. Allele origin: germline.

Color Diagnostics, LLC DBA Color Health
Classification: Likely benign for Hereditary cancer-predisposing syndrome. Last evaluated: 2018-09-26. Review status: criteria provided, single submitter. Criteria: ACMG Guidelines, 2015. Collection method: clinical testing. Allele origin: germline.